The following is an entry in ClinVar:

NM_005546.4(ITK):c.1562C>T (p.Pro521Leu)

Gene: ITK (IL2 inducible T cell kinase; plus strand). Cytogenetic location: 5q33.3.
Variant type: single nucleotide variant.
Coding change: c.1562C>T on transcript NM_005546.4 (MANE Select); coding-DNA position 1562, C replaced by T.
Protein change: p.Pro521Leu; replaces proline 521 with leucine.
Molecular consequence: missense variant.
Genome position (GRCh38, 1-based): chr5:157,245,928, C>T. VCF-style: chr5-157245928-C-T. GRCh37 (hg19) VCF-style: chr5-156672938-C-T.
Other names: short protein forms P521L.
Identifiers: ClinVar variation 1481575 (VCV001481575.4), dbSNP rs759932471, ClinGen allele CA3533139.

ClinVar aggregate classification (germline): Uncertain significance. Review status: criteria provided, single submitter (1 of 4 stars). 2 submissions from 2 submitters: Uncertain significance (1). 1 of the submissions does not count toward it. Last evaluated 2022-08-23.

Conditions:
Lymphoproliferative syndrome 1 (LPFS1). Identifiers: Orphanet 238505, Orphanet 538963, MedGen C3552634, MONDO:0013081, OMIM 613011.
Vitiligo-associated multiple autoimmune disease susceptibility 1 (VAMAS1). Also called: SYSTEMIC LUPUS ERYTHEMATOSUS, VITILIGO-RELATED. Identifiers: Orphanet 247871, MedGen C1847835, MONDO:0011684, OMIM 606579.

Allele frequency attached by ClinVar (database versions not stated): ExAC 0.00001; gnomAD exomes 0.00001 and 0.00002; TOPMed 0.00001.
gnomAD v4.1: 24 of 1,614,038 alleles (0.0015%); highest among the groups gnomAD compares: African/African-American, 0.004%; no homozygotes.

Submissions (2):

Labcorp Genetics (formerly Invitae), Labcorp
Classification: Uncertain significance for Lymphoproliferative syndrome 1. Last evaluated: 2022-08-23. Review status: criteria provided, single submitter. Criteria: Invitae Variant Classification Sherloc (09022015). Collection method: clinical testing. Allele origin: germline.
Comment: This sequence change replaces proline, which is neutral and non-polar, with leucine, which is neutral and non-polar, at codon 521 of the ITK protein (p.Pro521Leu). This variant is present in population databases (rs759932471, gnomAD 0.007%). This missense change has been observed in individual(s) with autoimmune lymphoproliferative syndrome and/or primary immunodeficiency (PMID: 32628964, 32888943). ClinVar contains an entry for this variant (Variation ID: 1481575). Advanced modeling of protein sequence and biophysical properties (such as structural, functional, and spatial information, amino acid conservation, physicochemical variation, residue mobility, and thermodynamic stability) performed at Invitae indicates that this missense variant is not expected to disrupt ITK protein function. In summary, the available evidence is currently insufficient to determine the role of this variant in disease. Therefore, it has been classified as a Variant of Uncertain Significance.

Nemer Genomics and Translation Biomedicine Lab, American University of Beirut
Classification: Uncertain significance for Vitiligo-associated multiple autoimmune disease susceptibility 1. Review status: no assertion criteria provided. Collection method: clinical testing. Allele origin: germline. Affected: yes. Observed: 1 homozygote. Not counted in ClinVar's aggregate classification.

Literature cited by the submitters: PubMed 32628964 (cited by Labcorp Genetics (formerly Invitae), Labcorp); PubMed 32888943 (cited by Labcorp Genetics (formerly Invitae), Labcorp).